The following is an entry in ClinVar:

NM_001252102.2(KIF21B):c.3053C>A (p.Thr1018Lys)

Gene: KIF21B (kinesin family member 21B; minus strand). Cytogenetic location: 1q32.1.
Variant type: single nucleotide variant.
Coding change: c.3053C>A on transcript NM_001252102.2 (MANE Select); coding-DNA position 3053, C replaced by A.
Protein change: p.Thr1018Lys; replaces threonine 1018 with lysine.
Molecular consequence: missense variant.
Genome position (GRCh38, 1-based): chr1:200,990,021, G>T on the plus strand (C>A on the coding strand, the complement: KIF21B is on the minus strand). VCF-style: chr1-200990021-G-T. GRCh37 (hg19) VCF-style: chr1-200959149-G-T.
Other names: c.3053C>A, p.Thr1018Lys (NM_001252100.2, NM_001252103.2, NM_017596.4); short protein forms T1018K.
Identifiers: ClinVar variation 2580006 (VCV002580006.2), dbSNP rs1416098796, ClinGen allele CA344131620.

ClinVar aggregate classification (germline): Uncertain significance (1 of 4 stars; one submission).

Allele frequency attached by ClinVar (database versions not stated): TOPMed below 0.00001; gnomAD 0.00001.
gnomAD v4.1: 1 of 1,613,862 alleles (0.000062%); highest among the groups gnomAD compares: Admixed American, 0.0017%; no homozygotes.

Submission:

GeneDx
Classification: Uncertain significance. Last evaluated: 2025-02-14. Review status: criteria provided, single submitter. Criteria: GeneDx Variant Classification Process June 2021. Collection method: clinical testing. Allele origin: germline.
Comment: Not observed at significant frequency in large population cohorts (gnomAD); In silico analysis supports that this missense variant has a deleterious effect on protein structure/function; Has not been previously published as pathogenic or benign to our knowledge